The following is an entry in ClinVar:

ClinVar aggregate classification (germline): Uncertain significance (1 of 4 stars; one submission).

Conditions:
Early Myoclonic Encephalopathy. Identifiers: MedGen C0270855.

Submission:

Labcorp Genetics (formerly Invitae), Labcorp
Classification: Uncertain significance for Early Myoclonic Encephalopathy. Last evaluated: 2017-07-10. Review status: criteria provided, single submitter. Criteria: Invitae Variant Classification Sherloc (09022015). Collection method: clinical testing. Allele origin: germline.
Comment: In summary, the available evidence is currently insufficient to determine the role of this variant in disease. Therefore, it has been classified as a Variant of Uncertain Significance. Algorithms developed to predict the effect of sequence changes on RNA splicing suggest that this variant may create or strengthen a splice site, but this prediction has not been confirmed by published transcriptional studies. Algorithms developed to predict the effect of missense changes on protein structure and function do not agree on the potential impact of this missense change (SIFT: "Deleterious"; PolyPhen-2: "Probably Damaging"; Align-GVGD: "Class C0"). This variant has not been reported in the literature in individuals with JMJD1C-related disease. This variant is not present in population databases (ExAC no frequency). This sequence change replaces leucine with valine at codon 1708 of the JMJD1C protein (p.Leu1708Val). The leucine residue is highly conserved and there is a small physicochemical difference between leucine and valine.

NM_032776.3(JMJD1C):c.5122C>G (p.Leu1708Val)

Gene: JMJD1C (jumonji domain containing 1C; minus strand). Cytogenetic location: 10q21.3.
Variant type: single nucleotide variant.
Coding change: c.5122C>G on transcript NM_032776.3 (MANE Select); coding-DNA position 5122, C replaced by G.
Protein change: p.Leu1708Val; replaces leucine 1708 with valine.
Molecular consequence: missense variant.
Genome position (GRCh38, 1-based): chr10:63,200,630, G>C on the plus strand (C>G on the coding strand, the complement: JMJD1C is on the minus strand). VCF-style: chr10-63200630-G-C. GRCh37 (hg19) VCF-style: chr10-64960390-G-C.
Other names: c.4576C>G, p.Leu1526Val (NM_001282948.2, NM_001318154.2); c.4258C>G, p.Leu1420Val (NM_001318153.2); c.5008C>G, p.Leu1670Val (NM_001322252.2); c.4465C>G, p.Leu1489Val (NM_001322254.2, NM_001322258.2); short protein forms L1708V, L1489V, L1526V, L1420V, L1670V.
Identifiers: ClinVar variation 460258 (VCV000460258.8), dbSNP rs372791018, ClinGen allele CA377033384.